The following is an entry in ClinVar:

ClinVar aggregate classification (germline): Benign/Likely benign. Review status: criteria provided, multiple submitters, no conflicts (2 of 4 stars). 3 submissions from 3 submitters: Benign (2); Likely benign (1). Last evaluated 2022-12-01.

Allele frequency attached by ClinVar (database versions not stated): 1000 Genomes Project 0.00240; 1000 Genomes Project 30x 0.00250; gnomAD 0.00445 and 0.00446; ESP Exome Variant Server 0.00446; gnomAD exomes 0.00455 and 0.00610; TOPMed 0.00464; ExAC 0.00482.
gnomAD v4.1: 9,663 of 1,613,044 alleles (0.6%); highest among the groups gnomAD compares: Non-Finnish European, 0.67%; 36 homozygotes.

Submissions (34):

CeGaT Center for Human Genetics Tuebingen
Classification: Likely benign. Last evaluated: 2022-12-01. Review status: criteria provided, single submitter. Criteria: CeGaT Center For Human Genetics Tuebingen Variant Classification Criteria Version 2. Collection method: clinical testing. Allele origin: germline. Affected: yes. Observed: 1 variant allele.
Comment: CNKSR1: BP4, BP7, BS2

Labcorp Genetics (formerly Invitae), Labcorp
Classification: Benign. Last evaluated: 2019-12-31. Review status: criteria provided, single submitter. Criteria: Invitae Variant Classification Sherloc (09022015). Collection method: clinical testing. Allele origin: germline.

Breakthrough Genomics
Classification: Benign. Review status: criteria provided, single submitter. Criteria: ACMG Guidelines, 2015. Collection method: not provided. Allele origin: germline. Inheritance: Unknown mechanism. Affected: yes.

Dr. Peter K. Rogan Lab, Western University
No classification provided (evidence only). Condition: Malignant tumor of esophagus. Review status: no classification provided. Collection method: in vitro. Allele origin: not applicable. Functional consequence: retained intron. Not counted in ClinVar's aggregate classification.

Dr. Peter K. Rogan Lab, Western University
No classification provided (evidence only). Condition: Clear cell carcinoma of kidney. Review status: no classification provided. Collection method: in vitro. Allele origin: not applicable. Functional consequence: retained intron. Not counted in ClinVar's aggregate classification.

Dr. Peter K. Rogan Lab, Western University
No classification provided (evidence only). Condition: Familial cancer of breast. Review status: no classification provided. Collection method: in vitro. Allele origin: not applicable. Functional consequence: retained intron. Not counted in ClinVar's aggregate classification.

Dr. Peter K. Rogan Lab, Western University
No classification provided (evidence only). Condition: Familial cancer of breast. Review status: no classification provided. Collection method: in vitro. Allele origin: not applicable. Functional consequence: retained intron. Not counted in ClinVar's aggregate classification.

Dr. Peter K. Rogan Lab, Western University
No classification provided (evidence only). Condition: Familial cancer of breast. Review status: no classification provided. Collection method: in vitro. Allele origin: not applicable. Functional consequence: retained intron. Not counted in ClinVar's aggregate classification.

Dr. Peter K. Rogan Lab, Western University
No classification provided (evidence only). Condition: Familial cancer of breast. Review status: no classification provided. Collection method: in vitro. Allele origin: not applicable. Functional consequence: retained intron. Not counted in ClinVar's aggregate classification.

Dr. Peter K. Rogan Lab, Western University
No classification provided (evidence only). Condition: Acute myeloid leukemia. Review status: no classification provided. Collection method: in vitro. Allele origin: not applicable. Functional consequence: retained intron. Not counted in ClinVar's aggregate classification.

Dr. Peter K. Rogan Lab, Western University
No classification provided (evidence only). Condition: Colon adenocarcinoma. Review status: no classification provided. Collection method: in vitro. Allele origin: not applicable. Functional consequence: retained intron. Not counted in ClinVar's aggregate classification.

Dr. Peter K. Rogan Lab, Western University
No classification provided (evidence only). Condition: Colon adenocarcinoma. Review status: no classification provided. Collection method: in vitro. Allele origin: not applicable. Functional consequence: retained intron. Not counted in ClinVar's aggregate classification.

Dr. Peter K. Rogan Lab, Western University
No classification provided (evidence only). Condition: Colon adenocarcinoma. Review status: no classification provided. Collection method: in vitro. Allele origin: not applicable. Functional consequence: retained intron. Not counted in ClinVar's aggregate classification.

Dr. Peter K. Rogan Lab, Western University
No classification provided (evidence only). Condition: Colorectal cancer. Review status: no classification provided. Collection method: in vitro. Allele origin: not applicable. Functional consequence: retained intron. Not counted in ClinVar's aggregate classification.

Dr. Peter K. Rogan Lab, Western University
No classification provided (evidence only). Condition: Colorectal cancer. Review status: no classification provided. Collection method: in vitro. Allele origin: not applicable. Functional consequence: retained intron. Not counted in ClinVar's aggregate classification.

Dr. Peter K. Rogan Lab, Western University
No classification provided (evidence only). Condition: Thyroid cancer, nonmedullary, 1. Review status: no classification provided. Collection method: in vitro. Allele origin: not applicable. Functional consequence: retained intron. Not counted in ClinVar's aggregate classification.

Dr. Peter K. Rogan Lab, Western University
No classification provided (evidence only). Condition: Thyroid cancer, nonmedullary, 1. Review status: no classification provided. Collection method: in vitro. Allele origin: not applicable. Functional consequence: retained intron. Not counted in ClinVar's aggregate classification.

Dr. Peter K. Rogan Lab, Western University
No classification provided (evidence only). Condition: Thyroid cancer, nonmedullary, 1. Review status: no classification provided. Collection method: in vitro. Allele origin: not applicable. Functional consequence: retained intron. Not counted in ClinVar's aggregate classification.

Dr. Peter K. Rogan Lab, Western University
No classification provided (evidence only). Condition: Thyroid cancer, nonmedullary, 1. Review status: no classification provided. Collection method: in vitro. Allele origin: not applicable. Functional consequence: retained intron. Not counted in ClinVar's aggregate classification.

Dr. Peter K. Rogan Lab, Western University
No classification provided (evidence only). Condition: Thyroid cancer, nonmedullary, 1. Review status: no classification provided. Collection method: in vitro. Allele origin: not applicable. Functional consequence: retained intron. Not counted in ClinVar's aggregate classification.

Dr. Peter K. Rogan Lab, Western University
No classification provided (evidence only). Condition: Uterine corpus endometrial carcinoma. Review status: no classification provided. Collection method: in vitro. Allele origin: not applicable. Functional consequence: retained intron. Not counted in ClinVar's aggregate classification.

Dr. Peter K. Rogan Lab, Western University
No classification provided (evidence only). Condition: Uterine corpus endometrial carcinoma. Review status: no classification provided. Collection method: in vitro. Allele origin: not applicable. Functional consequence: retained intron. Not counted in ClinVar's aggregate classification.

Dr. Peter K. Rogan Lab, Western University
No classification provided (evidence only). Condition: Uterine corpus endometrial carcinoma. Review status: no classification provided. Collection method: in vitro. Allele origin: not applicable. Functional consequence: retained intron. Not counted in ClinVar's aggregate classification.

Dr. Peter K. Rogan Lab, Western University
No classification provided (evidence only). Condition: Uterine corpus endometrial carcinoma. Review status: no classification provided. Collection method: in vitro. Allele origin: not applicable. Functional consequence: retained intron. Not counted in ClinVar's aggregate classification.

Dr. Peter K. Rogan Lab, Western University
No classification provided (evidence only). Condition: Cervical cancer. Review status: no classification provided. Collection method: in vitro. Allele origin: not applicable. Functional consequence: retained intron. Not counted in ClinVar's aggregate classification.

Dr. Peter K. Rogan Lab, Western University
No classification provided (evidence only). Condition: Cervical cancer. Review status: no classification provided. Collection method: in vitro. Allele origin: not applicable. Functional consequence: retained intron. Not counted in ClinVar's aggregate classification.

Dr. Peter K. Rogan Lab, Western University
No classification provided (evidence only). Condition: Cervical cancer. Review status: no classification provided. Collection method: in vitro. Allele origin: not applicable. Functional consequence: retained intron. Not counted in ClinVar's aggregate classification.

Dr. Peter K. Rogan Lab, Western University
No classification provided (evidence only). Condition: Cervical cancer. Review status: no classification provided. Collection method: in vitro. Allele origin: not applicable. Functional consequence: retained intron. Not counted in ClinVar's aggregate classification.

Dr. Peter K. Rogan Lab, Western University
No classification provided (evidence only). Condition: Sarcoma. Review status: no classification provided. Collection method: in vitro. Allele origin: not applicable. Functional consequence: retained intron. Not counted in ClinVar's aggregate classification.

Dr. Peter K. Rogan Lab, Western University
No classification provided (evidence only). Condition: Ovarian serous cystadenocarcinoma. Review status: no classification provided. Collection method: in vitro. Allele origin: not applicable. Functional consequence: retained intron. Not counted in ClinVar's aggregate classification.

Dr. Peter K. Rogan Lab, Western University
No classification provided (evidence only). Condition: Ovarian serous cystadenocarcinoma. Review status: no classification provided. Collection method: in vitro. Allele origin: not applicable. Functional consequence: retained intron. Not counted in ClinVar's aggregate classification.

Dr. Peter K. Rogan Lab, Western University
No classification provided (evidence only). Condition: Ovarian serous cystadenocarcinoma. Review status: no classification provided. Collection method: in vitro. Allele origin: not applicable. Functional consequence: retained intron. Not counted in ClinVar's aggregate classification.

Dr. Peter K. Rogan Lab, Western University
No classification provided (evidence only). Condition: Gastric cancer. Review status: no classification provided. Collection method: in vitro. Allele origin: not applicable. Functional consequence: retained intron. Not counted in ClinVar's aggregate classification.

Dr. Peter K. Rogan Lab, Western University
No classification provided (evidence only). Condition: Malignant tumor of esophagus. Review status: no classification provided. Collection method: in vitro. Allele origin: not applicable. Functional consequence: retained intron. Not counted in ClinVar's aggregate classification.

NM_006314.3(CNKSR1):c.1041G>A (p.Pro347=)

Gene: CNKSR1 (connector enhancer of kinase suppressor of Ras 1; plus strand). Cytogenetic location: 1p36.11.
Variant type: single nucleotide variant.
Coding change: c.1041G>A on transcript NM_006314.3 (MANE Select); coding-DNA position 1041, G replaced by A.
Protein change: p.Pro347=; no amino-acid change (proline 347 retained).
Molecular consequence: synonymous variant.
Genome position (GRCh38, 1-based): chr1:26,184,441, G>A. VCF-style: chr1-26184441-G-A. GRCh37 (hg19) VCF-style: chr1-26510932-G-A.
Other names: NC_000001.10:g.26510932G>A; c.1062G>A, p.Pro354= (NM_001297647.2); c.267G>A, p.Pro89= (NM_001297648.2).
Identifiers: ClinVar variation 778230 (VCV000778230.30), dbSNP rs148237566, ClinGen allele CA700623.